The following is an entry in ClinVar:

NM_152564.5(VPS13B):c.420G>A (p.Val140=)

Gene: VPS13B (vacuolar protein sorting 13 homolog B; plus strand). Cytogenetic location: 8q22.2.
Variant type: single nucleotide variant.
Coding change: c.420G>A on transcript NM_152564.5 (MANE Select); coding-DNA position 420, G replaced by A.
Protein change: p.Val140=; no amino-acid change (valine 140 retained).
Molecular consequence: synonymous variant. On other transcripts: non-coding transcript variant (1).
Genome position (GRCh38, 1-based): chr8:99,102,960, G>A. VCF-style: chr8-99102960-G-A. GRCh37 (hg19) VCF-style: chr8-100115188-G-A.
Other names: c.420G>A, p.Val140= (NM_015243.3, NM_017890.5, NM_181661.3).
Identifiers: ClinVar variation 1624904 (VCV001624904.33), dbSNP rs1379154568, ClinGen allele CA462420124.

ClinVar aggregate classification (germline): Likely benign. Review status: criteria provided, multiple submitters, no conflicts (2 of 4 stars). 3 submissions from 3 submitters: Likely benign (3). Last evaluated 2025-07-03.

Conditions:
Cohen syndrome (COH1). Also called: PEPPER SYNDROME; Cutis verticis gyrata, retinitis pigmentosa, and sensorineural deafness. Identifiers: Orphanet 193, MedGen C0265223, MONDO:0008999, OMIM 216550.

Allele frequency attached by ClinVar (database versions not stated): gnomAD exomes below 0.00001; TOPMed below 0.00001.
gnomAD v4.1: 2 of 1,603,790 alleles (0.00012%); highest among the groups gnomAD compares: African/African-American, 0.0013%; no homozygotes.

Submissions (3):

Labcorp Genetics (formerly Invitae), Labcorp
Classification: Likely benign for Cohen syndrome. Last evaluated: 2025-07-03. Review status: criteria provided, single submitter. Criteria: Invitae Variant Classification Sherloc (09022015). Collection method: clinical testing. Allele origin: germline.

Blueprint Genetics
Classification: Likely benign. Last evaluated: 2024-02-22. Review status: criteria provided, single submitter. Criteria: ACMG Guidelines, 2015. Collection method: clinical testing. Allele origin: germline.

CeGaT Center for Human Genetics Tuebingen
Classification: Likely benign. Last evaluated: 2022-04-01. Review status: criteria provided, single submitter. Criteria: CeGaT Center For Human Genetics Tuebingen Variant Classification Criteria Version 2. Collection method: clinical testing. Allele origin: germline. Affected: yes. Observed: 1 variant allele.
Comment: VPS13B: PM2:Supporting, BP4, BP7